The following is an entry in ClinVar:

NM_017802.4(DNAAF5):c.697G>A (p.Ala233Thr)

Gene: DNAAF5 (dynein axonemal assembly factor 5; plus strand). Cytogenetic location: 7p22.3.
Variant type: single nucleotide variant.
Coding change: c.697G>A on transcript NM_017802.4 (MANE Select); coding-DNA position 697, G replaced by A.
Protein change: p.Ala233Thr; replaces alanine 233 with threonine.
Molecular consequence: missense variant. On other transcripts: non-coding transcript variant (1).
Genome position (GRCh38, 1-based): chr7:729,764, G>A. VCF-style: chr7-729764-G-A. GRCh37 (hg19) VCF-style: chr7-769401-G-A.
Other names: short protein forms A233T.
Identifiers: ClinVar variation 410304 (VCV000410304.10), dbSNP rs149139347, ClinGen allele CA4110403.

ClinVar aggregate classification (germline): Conflicting classifications of pathogenicity. Review status: criteria provided, conflicting classifications (1 of 4 stars). 4 submissions from 4 submitters: Uncertain significance (2); Likely benign (2). Last evaluated 2024-11-21.

Conditions:
Primary ciliary dyskinesia. Also called: Ciliary dyskinesia. Identifiers: Orphanet 244, MedGen C0008780, MONDO:0016575, HP:0012265.

Allele frequency attached by ClinVar (database versions not stated): gnomAD exomes 0.00006; ExAC 0.00007; TOPMed 0.00010; gnomAD 0.00014; 1000 Genomes Project 30x 0.00016; 1000 Genomes Project 0.00020; ESP Exome Variant Server 0.00031.
gnomAD v4.1: 90 of 1,614,210 alleles (0.0056%); highest among the groups gnomAD compares: Middle Eastern, 0.082%; no homozygotes.

Submissions (4):

Blueprint Genetics
Classification: Likely benign. Last evaluated: 2024-11-21. Review status: criteria provided, single submitter. Criteria: ACMG Guidelines, 2015. Collection method: clinical testing. Allele origin: germline.

Labcorp Genetics (formerly Invitae), Labcorp
Classification: Uncertain significance for Primary ciliary dyskinesia. Last evaluated: 2022-08-09. Review status: criteria provided, single submitter. Criteria: Invitae Variant Classification Sherloc (09022015). Collection method: clinical testing. Allele origin: germline.
Comment: This sequence change replaces alanine, which is neutral and non-polar, with threonine, which is neutral and polar, at codon 233 of the DNAAF5 protein (p.Ala233Thr). This variant is present in population databases (rs149139347, gnomAD 0.02%). This variant has not been reported in the literature in individuals affected with DNAAF5-related conditions. ClinVar contains an entry for this variant (Variation ID: 410304). Algorithms developed to predict the effect of missense changes on protein structure and function (SIFT, PolyPhen-2, Align-GVGD) all suggest that this variant is likely to be tolerated. In summary, the available evidence is currently insufficient to determine the role of this variant in disease. Therefore, it has been classified as a Variant of Uncertain Significance.

Ambry Genetics
Classification: Likely benign for Primary ciliary dyskinesia. Last evaluated: 2021-10-29. Review status: criteria provided, single submitter. Criteria: Ambry Variant Classification Scheme 2023. Collection method: clinical testing. Allele origin: germline.

Breakthrough Genomics
Classification: Uncertain significance. Review status: criteria provided, single submitter. Criteria: ACMG Guidelines, 2015. Collection method: not provided. Allele origin: germline. Inheritance: Autosomal recessive inheritance. Affected: yes.